The following is an entry in ClinVar:

ClinVar aggregate classification (germline): Uncertain significance. Review status: criteria provided, multiple submitters, no conflicts (2 of 4 stars). 3 submissions from 3 submitters: Uncertain significance (3). Last evaluated 2024-07-02.

Conditions:
Muscular dystrophy-dystroglycanopathy (congenital with brain and eye anomalies), type A9. Also called: WALKER-WARBURG SYNDROME OR MUSCLE-EYE BRAIN DISEASE, DAG1-RELATED; Muscular dystrophy-dystroglycanopathy (congenital with brain and eye anomalies), type a, 9. Identifiers: Orphanet 370997, Orphanet 899, MedGen C4225291, MONDO:0014683, OMIM 616538.
Autosomal recessive limb-girdle muscular dystrophy type 2P. Also called: Limb-Girdle Muscular Dystrophy Type 9C; MUSCULAR DYSTROPHY, LIMB-GIRDLE, TYPE 2P; MUSCULAR DYSTROPHY-DYSTROGLYCANOPATHY, LIMB-GIRDLE, DAG1-RELATED. Identifiers: Orphanet 280333, MedGen C4511963, MONDO:0013440, OMIM 613818.
Inborn genetic diseases. Identifiers: MedGen C0950123, MeSH D030342.

Allele frequency attached by ClinVar (database versions not stated): gnomAD 0.00001; TOPMed 0.00002.
gnomAD v4.1: 1 of 1,611,940 alleles (0.000062%); highest among the groups gnomAD compares: African/African-American, 0.0013%; no homozygotes.

Submissions (3):

Revvity Omics, Revvity
Classification: Uncertain significance. Last evaluated: 2024-07-02. Review status: criteria provided, single submitter. Criteria: ACMG Guidelines, 2015. Collection method: clinical testing. Allele origin: germline.

Ambry Genetics
Classification: Uncertain significance for Inborn genetic diseases. Last evaluated: 2023-12-13. Review status: criteria provided, single submitter. Criteria: Ambry Variant Classification Scheme 2023. Collection method: clinical testing. Allele origin: germline.

Labcorp Genetics (formerly Invitae), Labcorp
Classification: Uncertain significance for Autosomal recessive limb-girdle muscular dystrophy type 2P; Muscular dystrophy-dystroglycanopathy (congenital with brain and eye anomalies), type A9. Last evaluated: 2022-08-05. Review status: criteria provided, single submitter. Criteria: Invitae Variant Classification Sherloc (09022015). Collection method: clinical testing. Allele origin: germline.
Comment: Algorithms developed to predict the effect of missense changes on protein structure and function are either unavailable or do not agree on the potential impact of this missense change (SIFT: "Tolerated"; PolyPhen-2: "Possibly Damaging"; Align-GVGD: "Class C0"). In summary, the available evidence is currently insufficient to determine the role of this variant in disease. Therefore, it has been classified as a Variant of Uncertain Significance. This variant has not been reported in the literature in individuals affected with DAG1-related conditions. This variant is not present in population databases (gnomAD no frequency). This sequence change replaces serine, which is neutral and polar, with phenylalanine, which is neutral and non-polar, at codon 336 of the DAG1 protein (p.Ser336Phe).

NM_004393.6(DAG1):c.1007C>T (p.Ser336Phe)

Gene: DAG1 (dystroglycan 1; plus strand). Cytogenetic location: 3p21.31.
Variant type: single nucleotide variant.
Coding change: c.1007C>T on transcript NM_004393.6 (MANE Select); coding-DNA position 1007, C replaced by T.
Protein change: p.Ser336Phe; replaces serine 336 with phenylalanine.
Molecular consequence: missense variant.
Genome position (GRCh38, 1-based): chr3:49,531,518, C>T. VCF-style: chr3-49531518-C-T. GRCh37 (hg19) VCF-style: chr3-49568951-C-T.
Other names: c.1007C>T (NM_004393.4); c.1007C>T, p.Ser336Phe (NM_001165928.4, NM_001177634.3, NM_001177635.3 and 9 more transcripts); short protein forms S336F.
Identifiers: ClinVar variation 2194490 (VCV002194490.4), dbSNP rs768191755, ClinGen allele CA352794547.